The following is an entry in ClinVar:

NM_001366521.1(ATP2B1):c.967G>T (p.Ala323Ser)

Gene: ATP2B1 (ATPase plasma membrane Ca2+ transporting 1; minus strand). Cytogenetic location: 12q21.33.
Variant type: single nucleotide variant.
Coding change: c.967G>T on transcript NM_001366521.1 (MANE Select); coding-DNA position 967, G replaced by T.
Protein change: p.Ala323Ser; replaces alanine 323 with serine.
Molecular consequence: missense variant. On other transcripts: non-coding transcript variant (3), intron variant (6).
Genome position (GRCh38, 1-based): chr12:89,627,678, C>A on the plus strand (G>T on the coding strand, the complement: ATP2B1 is on the minus strand). VCF-style: chr12-89627678-C-A. GRCh37 (hg19) VCF-style: chr12-90021455-C-A.
Other names: c.967G>T, p.Ala323Ser (NM_001001323.2, NM_001366520.1, NM_001366522.1 and 13 more transcripts); c.769G>T, p.Ala257Ser (NM_001366530.1, NM_001413053.1); c.826G>T, p.Ala276Ser (NM_001413051.1, NM_001413052.1, NM_001413055.1); c.712G>T, p.Ala238Ser (NM_001413056.1); c.514G>T, p.Ala172Ser (NM_001413057.1); c.407-1063G>T (NM_001413060.1, NM_001366531.1, NM_001413058.1 and 2 more transcripts); c.929-1063G>T (NM_001413048.1); short protein forms A172S, A238S, A257S, A276S, A323S.
Identifiers: ClinVar variation 3368133 (VCV003368133.1).
Genomic context (GRCh38, chr12:89,627,678, plus strand): 5'-CAGTAGATTTTTGGATATAATGAAAACAAGCTCACTGTACTTTTGTCCTCCTAAATTTAC[C>A]TTTGTTGCGATTCTCAATAGCTCCATCTTGTTTCTTATCTGTAGGAACAAAATGGGAATT-3'
Protein context (NP_001353450.1, residues 313-333): QDGAIENRNK[Ala323Ser]KAQDGAAMEM

ClinVar aggregate classification (germline): Uncertain significance (1 of 4 stars; one submission).

Submission:

GeneDx
Classification: Uncertain significance. Last evaluated: 2024-01-24. Review status: criteria provided, single submitter. Criteria: GeneDx Variant Classification Process June 2021. Collection method: clinical testing. Allele origin: germline. Affected: yes.
Comment: Not observed at significant frequency in large population cohorts (gnomAD); Alters the last nucleotide of the exon and is predicted to destroy the splice donor site but the effect on protein function is unclear; In silico analysis supports that this missense variant does not alter protein structure/function; Has not been previously published as pathogenic or benign to our knowledge